The following is an entry in ClinVar:

NM_000059.4(BRCA2):c.4524del (p.Gln1509fs)

Gene: BRCA2 (BRCA2 DNA repair associated; plus strand). Cytogenetic location: 13q13.1.
Variant type: Deletion.
Coding change: c.4524del on transcript NM_000059.4 (MANE Select); coding-DNA position 4524, one base deleted (A; older notation c.4524delA).
Protein change: p.Gln1509fs; shifts the reading frame from glutamine 1509.
Molecular consequence: frameshift variant.
Genome position (GRCh38, 1-based): chr13:32,338,879, A deleted. VCF-style (leftmost placement, unchanged base first): chr13-32338878-GA-G. GRCh37 (hg19) VCF-style: chr13-32913015-GA-G.
Other names: short protein forms Q1509fs.
Identifiers: ClinVar variation 1392992 (VCV001392992.7), dbSNP rs2137507240, ClinGen allele CA2573149387.
Genomic context (GRCh38, chr13:32,338,878, plus strand): 5'-ACAAAATACTGAAAGAAAGTGTCCCAGTTGGTACTGGAAATCAACTAGTGACCTTCCAGG[GA>G]CAACCCGAACGTGATGAAAAGATCAAAGAACCTACTCTATTGGGTTTTCATACAGCTAGC-3'

ClinVar aggregate classification (germline): Pathogenic. Review status: criteria provided, multiple submitters, no conflicts (2 of 4 stars). 2 submissions from 2 submitters: Pathogenic (2). Last evaluated 2025-11-18.

Conditions:
Hereditary breast ovarian cancer syndrome. Also called: BRCA1- and BRCA2-Associated Hereditary Breast and Ovarian Cancer; Hereditary breast and/or ovarian cancer syndrome; Hereditary breast and ovarian cancer syndrome; Hereditary breast and ovarian cancer; Breast and ovarian cancer; Hereditary breast and ovarian cancer syndrome (HBOC). Identifiers: Orphanet 145, MedGen C0677776, MeSH D061325, MONDO:0003582. Disease mechanism: loss of function.
Breast-ovarian cancer, familial, susceptibility to, 2 (BROVCA2). Also called: BRCA2 Hereditary Breast and Ovarian Cancer. Identifiers: Orphanet 145, MedGen C2675520, MONDO:0012933, OMIM 612555. Disease mechanism: loss of function.

Submissions (2):

Myriad Genetics, Inc.
Classification: Pathogenic for Breast-ovarian cancer, familial, susceptibility to, 2. Last evaluated: 2025-11-18. Review status: criteria provided, single submitter. Criteria: Myriad Autosomal Dominant, Autosomal Recessive and X-Linked Classification Criteria (2023). Collection method: clinical testing. Allele origin: unknown.
Comment: This variant is considered pathogenic. This variant creates a frameshift predicted to result in premature protein truncation.

Labcorp Genetics (formerly Invitae), Labcorp
Classification: Pathogenic for Hereditary breast ovarian cancer syndrome. Last evaluated: 2021-09-10. Review status: criteria provided, single submitter. Criteria: Invitae Variant Classification Sherloc (09022015). Collection method: clinical testing. Allele origin: germline.
Comment: For these reasons, this variant has been classified as Pathogenic. This variant has not been reported in the literature in individuals affected with BRCA2-related conditions. This variant is not present in population databases (ExAC no frequency). This sequence change creates a premature translational stop signal (p.Gln1509Asnfs*34) in the BRCA2 gene. It is expected to result in an absent or disrupted protein product. Loss-of-function variants in BRCA2 are known to be pathogenic (PMID: 20104584).

Literature cited by the submitters: PubMed 20104584 (cited by Labcorp Genetics (formerly Invitae), Labcorp).